The following is an entry in ClinVar:

ClinVar aggregate classification (germline): Uncertain significance (1 of 4 stars; one submission).

Submission:

GeneDx
Classification: Uncertain significance. Last evaluated: 2022-06-02. Review status: criteria provided, single submitter. Criteria: GeneDx Variant Classification Process June 2021. Collection method: clinical testing. Allele origin: germline. Affected: yes.
Comment: Not observed at significant frequency in large population cohorts (gnomAD); In silico analysis supports that this missense variant does not alter protein structure/function; Has not been previously published as pathogenic or benign to our knowledge

NM_006593.4(TBR1):c.1556C>T (p.Ala519Val)

Genes: TBR1 (T-box brain transcription factor 1; plus strand), LOC129935026 (ATAC-STARR-seq lymphoblastoid silent region 12060; plus strand). Cytogenetic location: 2q24.2.
Variant type: single nucleotide variant.
Coding change: c.1556C>T on transcript NM_006593.4 (MANE Select); coding-DNA position 1556, C replaced by T.
Protein change: p.Ala519Val; replaces alanine 519 with valine.
Molecular consequence: missense variant.
Genome position (GRCh38, 1-based): chr2:161,423,734, C>T. VCF-style: chr2-161423734-C-T. GRCh37 (hg19) VCF-style: chr2-162280245-C-T.
Other names: short protein forms A519V.
Identifiers: ClinVar variation 1801897 (VCV001801897.1), dbSNP rs2468099905, ClinGen allele CA349213965.